The following is an entry in ClinVar:

NM_000059.4(BRCA2):c.2918C>G (p.Ser973Trp)

Gene: BRCA2 (BRCA2 DNA repair associated; plus strand). Cytogenetic location: 13q13.1.
Variant type: single nucleotide variant.
Coding change: c.2918C>G on transcript NM_000059.4 (MANE Select); coding-DNA position 2918, C replaced by G.
Protein change: p.Ser973Trp; replaces serine 973 with tryptophan.
Molecular consequence: missense variant.
Genome position (GRCh38, 1-based): chr13:32,337,273, C>G. VCF-style: chr13-32337273-C-G. GRCh37 (hg19) VCF-style: chr13-32911410-C-G.
Other names: short protein forms S973W.
Identifiers: ClinVar variation 479279 (VCV000479279.18), dbSNP rs397507296, ClinGen allele CA387774206.

ClinVar aggregate classification (germline): Conflicting classifications of pathogenicity. Review status: criteria provided, conflicting classifications (1 of 4 stars). 4 submissions from 4 submitters: Uncertain significance (3); Likely benign (1). Last evaluated 2023-06-15.

Conditions:
Hereditary cancer-predisposing syndrome. Also called: Tumor predisposition; Neoplastic Syndromes, Hereditary; Hereditary Cancer Syndrome; Hereditary neoplastic syndrome. Identifiers: Orphanet 140162, MedGen C0027672, MeSH D009386, MONDO:0015356.
Hereditary breast ovarian cancer syndrome. Also called: Hereditary breast and ovarian cancer; Breast and ovarian cancer; Hereditary breast and/or ovarian cancer syndrome; Hereditary breast and ovarian cancer syndrome (HBOC); BRCA1- and BRCA2-Associated Hereditary Breast and Ovarian Cancer; Hereditary breast and ovarian cancer syndrome. Identifiers: Orphanet 145, MedGen C0677776, MeSH D061325, MONDO:0003582. Disease mechanism: loss of function.
Breast-ovarian cancer, familial, susceptibility to, 2 (BROVCA2). Also called: BRCA2 Hereditary Breast and Ovarian Cancer. Identifiers: Orphanet 145, MedGen C2675520, MONDO:0012933, OMIM 612555. Disease mechanism: loss of function.

gnomAD v4.1: 1 of 1,611,496 alleles (0.000062%); highest among the groups gnomAD compares: Non-Finnish European, 0.000085%; no homozygotes.

Submissions (4):

KCCC/NGS Laboratory, Kuwait Cancer Control Center
Classification: Uncertain significance for Breast-ovarian cancer, familial, susceptibility to, 2. Last evaluated: 2023-06-15. Review status: criteria provided, single submitter. Criteria: ACMG Guidelines, 2015. Collection method: clinical testing. Allele origin: unknown. Inheritance: Autosomal dominant inheritance. Affected: yes. Observed: 1 heterozygote.
Comment: A variant of uncertain significance was detected in the BRCA2 gene (c.2918C>G). This sequence change replaces serine, which is neutral and polar, with tryptophan, which is neutral and slightly polar, at codon 973 of the BRCA2 protein (p.Ser973Trp). This variant is not present in population databases (gnomAD no frequency). This variant has not been reported in the literature in individuals affected with BRCA2-related conditions. ClinVar contains an entry for this variant (Variation ID: 479279). Therefore, it has been classified as a Variant of Uncertain Significance.

University of Washington Department of Laboratory Medicine, University of Washington
Classification: Likely benign for Hereditary cancer-predisposing syndrome. Last evaluated: 2023-03-23. Review status: criteria provided, single submitter. Criteria: Dines et al. (Genet Med. 2020). Collection method: curation. Allele origin: germline.
Comment: Missense variant in a coldspot region where missense variants are very unlikely to be pathogenic (PMID:31911673).

BRCA2 exon 11 coldspot. Reclassification based on statistical prior probability.

Labcorp Genetics (formerly Invitae), Labcorp
Classification: Uncertain significance for Hereditary breast ovarian cancer syndrome. Last evaluated: 2022-10-05. Review status: criteria provided, single submitter. Criteria: Invitae Variant Classification Sherloc (09022015). Collection method: clinical testing. Allele origin: germline.
Comment: This sequence change replaces serine, which is neutral and polar, with tryptophan, which is neutral and slightly polar, at codon 973 of the BRCA2 protein (p.Ser973Trp). This variant is not present in population databases (gnomAD no frequency). This variant has not been reported in the literature in individuals affected with BRCA2-related conditions. ClinVar contains an entry for this variant (Variation ID: 479279). Advanced modeling of protein sequence and biophysical properties (such as structural, functional, and spatial information, amino acid conservation, physicochemical variation, residue mobility, and thermodynamic stability) performed at Invitae indicates that this missense variant is not expected to disrupt BRCA2 protein function. In summary, the available evidence is currently insufficient to determine the role of this variant in disease. Therefore, it has been classified as a Variant of Uncertain Significance.

Ambry Genetics
Classification: Uncertain significance for Hereditary cancer-predisposing syndrome. Last evaluated: 2022-02-18. Review status: criteria provided, single submitter. Criteria: Ambry Variant Classification Scheme 2023. Collection method: clinical testing. Allele origin: germline.
Comment: The p.S973W variant (also known as c.2918C>G), located in coding exon 10 of the BRCA2 gene, results from a C to G substitution at nucleotide position 2918. The serine at codon 973 is replaced by tryptophan, an amino acid with highly dissimilar properties. This amino acid position is not well conserved in available vertebrate species. In addition, the in silico prediction for this alteration is inconclusive. Since supporting evidence is limited at this time, the clinical significance of this alteration remains unclear.

Literature cited by the submitters: PubMed 31911673 (cited by Ambry Genetics).